The following is an entry in ClinVar:

NM_000520.6(HEXA):c.1048C>T (p.Gln350Ter)

Gene: HEXA (hexosaminidase subunit alpha; minus strand). Cytogenetic location: 15q23.
Variant type: single nucleotide variant.
Coding change: c.1048C>T on transcript NM_000520.6 (MANE Select); coding-DNA position 1048, C replaced by T.
Protein change: p.Gln350Ter; replaces glutamine 350 with a stop codon.
Molecular consequence: nonsense. On other transcripts: non-coding transcript variant (1).
Genome position (GRCh38, 1-based): chr15:72,348,073, G>A on the plus strand (C>T on the coding strand, the complement: HEXA is on the minus strand). VCF-style: chr15-72348073-G-A. GRCh37 (hg19) VCF-style: chr15-72640414-G-A.
Other names: c.1081C>T, p.Gln361Ter (NM_001318825.2); c.1048C>T (NM_000520.5); short protein forms Q350*, Q361*.
Identifiers: ClinVar variation 3027136 (VCV003027136.25), dbSNP rs2542520335, ClinGen allele CA393061877.
Genomic context (GRCh38, chr15:72,348,073, plus strand): 5'-CCAAGGGACCCCACCCACCCTCCTTCCTTCCTCACGTCTGGATGTAGAAGGACTCCAGCT[G>A]CTTGAAGTCCTCACCGAAGCCTTTCTTCCTCATAAAGTCCTGGATCTCTGGGTTGGACTT-3'

ClinVar aggregate classification (germline): Pathogenic/Likely pathogenic. Review status: criteria provided, multiple submitters, no conflicts (2 of 4 stars). 3 submissions from 3 submitters: Pathogenic (2); Likely pathogenic (1). Last evaluated 2025-06-24.

Conditions:
Tay-Sachs disease (TSD). Also called: HEXA DEFICIENCY; GM2 gangliosidosis, type 1; Hexosaminidase alpha-subunit deficiency (variant B); Sphingolipidosis, Tay-Sachs; Hexosaminidase A Deficiency; HEXA Disorders. Identifiers: Orphanet 845, MedGen C0039373, MONDO:0010100, OMIM 272800.

Submissions (3):

Natera, Inc.
Classification: Likely pathogenic for Tay-Sachs disease. Last evaluated: 2025-06-24. Review status: criteria provided, single submitter. Criteria: Natera Variant Classification Schema (03/2026). Collection method: clinical testing. Allele origin: germline.
Comment: The c.1048C>T variant in HEXA is a nonsense variant predicted to introduce a stop codon at amino acid 350. This variant is expected to result in nonsense mediated decay, truncation, or a dysfunctional protein product. This variant is rare in the general population with a frequency below the threshold expected for the associated phenotype(s). Given the available evidence, this variant is classified as Likely Pathogenic.

Labcorp Genetics (formerly Invitae), Labcorp
Classification: Pathogenic for Tay-Sachs disease. Last evaluated: 2024-09-07. Review status: criteria provided, single submitter. Criteria: Invitae Variant Classification Sherloc (09022015). Collection method: clinical testing. Allele origin: germline.
Comment: This sequence change creates a premature translational stop signal (p.Gln350*) in the HEXA gene. It is expected to result in an absent or disrupted protein product. Loss-of-function variants in HEXA are known to be pathogenic (PMID: 1833974, 8490625). This variant is not present in population databases (gnomAD no frequency). This variant has not been reported in the literature in individuals affected with HEXA-related conditions. Algorithms developed to predict the effect of sequence changes on RNA splicing suggest that this variant may create or strengthen a splice site. For these reasons, this variant has been classified as Pathogenic.

CeGaT Center for Human Genetics Tuebingen
Classification: Pathogenic. Last evaluated: 2024-02-01. Review status: criteria provided, single submitter. Criteria: CeGaT Center For Human Genetics Tuebingen Variant Classification Criteria Version 2. Collection method: clinical testing. Allele origin: germline. Affected: yes. Observed: 1 variant allele.
Comment: HEXA: PVS1, PM2

Literature cited by the submitters: PubMed 1833974 (cited by Labcorp Genetics (formerly Invitae), Labcorp); PubMed 8490625 (cited by Labcorp Genetics (formerly Invitae), Labcorp).